The following is an entry in ClinVar:

ClinVar aggregate classification (germline): Uncertain significance (1 of 4 stars; one submission).

Conditions:
Sandhoff disease. Also called: Beta-hexosaminidase-beta-subunit deficiency; GM2 gangliosidosis, type 2; Total hexosaminidase deficiency; Sandhoff-Jatzkewitz-Pilz disease; GM2-GANGLIOSIDOSIS, TYPE II; HEXOSAMINIDASES A AND B DEFICIENCY. Identifiers: Orphanet 796, MedGen C0036161, MONDO:0010006, OMIM 268800.

Allele frequency attached by ClinVar (database versions not stated): gnomAD exomes 0.00002; TOPMed 0.00003; ExAC 0.00004; gnomAD 0.00004; 1000 Genomes Project 30x 0.00031; 1000 Genomes Project 0.00040.
gnomAD v4.1: 31 of 1,611,580 alleles (0.0019%); highest among the groups gnomAD compares: East Asian, 0.036%; no homozygotes.

Submission:

Labcorp Genetics (formerly Invitae), Labcorp
Classification: Uncertain significance for Sandhoff disease. Last evaluated: 2022-08-05. Review status: criteria provided, single submitter. Criteria: Invitae Variant Classification Sherloc (09022015). Collection method: clinical testing. Allele origin: germline.
Comment: This sequence change replaces isoleucine, which is neutral and non-polar, with threonine, which is neutral and polar, at codon 275 of the HEXB protein (p.Ile275Thr). This variant is present in population databases (rs532333261, gnomAD 0.06%). This variant has not been reported in the literature in individuals affected with HEXB-related conditions. Advanced modeling of protein sequence and biophysical properties (such as structural, functional, and spatial information, amino acid conservation, physicochemical variation, residue mobility, and thermodynamic stability) performed at Invitae indicates that this missense variant is expected to disrupt HEXB protein function. In summary, the available evidence is currently insufficient to determine the role of this variant in disease. Therefore, it has been classified as a Variant of Uncertain Significance.

NM_000521.4(HEXB):c.824T>C (p.Ile275Thr)

Gene: HEXB (hexosaminidase subunit beta; plus strand). Cytogenetic location: 5q13.3.
Variant type: single nucleotide variant.
Coding change: c.824T>C on transcript NM_000521.4 (MANE Select); coding-DNA position 824, T replaced by C.
Protein change: p.Ile275Thr; replaces isoleucine 275 with threonine.
Molecular consequence: missense variant.
Genome position (GRCh38, 1-based): chr5:74,713,558, T>C. VCF-style: chr5-74713558-T-C. GRCh37 (hg19) VCF-style: chr5-74009383-T-C.
Other names: c.149T>C, p.Ile50Thr (NM_001292004.2); short protein forms I50T, I275T.
Identifiers: ClinVar variation 2076892 (VCV002076892.1), dbSNP rs532333261, ClinGen allele CA3305957.